The following is an entry in ClinVar:

ClinVar aggregate classification (germline): Uncertain significance (1 of 4 stars; one submission).

Conditions:
Inborn genetic diseases. Identifiers: MedGen C0950123, MeSH D030342.

Submission:

Ambry Genetics
Classification: Uncertain significance for Inborn genetic diseases. Last evaluated: 2025-01-19. Review status: criteria provided, single submitter. Criteria: Ambry Variant Classification Scheme 2023. Collection method: clinical testing. Allele origin: germline.
Comment: The p.S688F variant (also known as c.2063C>T), located in coding exon 23 of the RTEL1 gene, results from a C to T substitution at nucleotide position 2063. The serine at codon 688 is replaced by phenylalanine, an amino acid with highly dissimilar properties. This amino acid position is conserved. In addition, the in silico prediction for this alteration is inconclusive. Based on the available evidence, the clinical significance of this variant remains unclear.

NM_001283009.2(RTEL1):c.2063C>T (p.Ser688Phe)

Genes: RTEL1 (regulator of telomere elongation helicase 1; plus strand), RTEL1-TNFRSF6B (RTEL1-TNFRSF6B readthrough (NMD candidate); plus strand). Cytogenetic location: 20q13.33.
Variant type: single nucleotide variant.
Coding change: c.2063C>T on transcript NM_001283009.2 (MANE Select); coding-DNA position 2063, C replaced by T.
Protein change: p.Ser688Phe; replaces serine 688 with phenylalanine.
Molecular consequence: missense variant. On other transcripts: non-coding transcript variant (1).
Genome position (GRCh38, 1-based): chr20:63,689,787, C>T. VCF-style: chr20-63689787-C-T. GRCh37 (hg19) VCF-style: chr20-62321140-C-T.
Other names: c.1394C>T, p.Ser465Phe (NM_001283010.1); c.2063C>T, p.Ser688Phe (NM_016434.4); c.2135C>T, p.Ser712Phe (NM_032957.5); short protein forms S465F, S688F, S712F.
Identifiers: ClinVar variation 3791076 (VCV003791076.1).